The following is an entry in ClinVar:

NM_139276.3(STAT3):c.1366-4G>A

Gene: STAT3 (signal transducer and activator of transcription 3; minus strand). Cytogenetic location: 17q21.2.
Variant type: single nucleotide variant.
Coding change: c.1366-4G>A on transcript NM_139276.3 (MANE Select); 4 bases into the intron before coding-DNA position 1366, G replaced by A.
Molecular consequence: intron variant.
Genome position (GRCh38, 1-based): chr17:42,325,065, C>T on the plus strand (G>A on the coding strand, the complement: STAT3 is on the minus strand). VCF-style: chr17-42325065-C-T. GRCh37 (hg19) VCF-style: chr17-40477083-C-T.
Other names: c.1366-4G>A (NM_139276.2, NM_001369519.1, NM_003150.4 and 12 more transcripts); c.1270-4G>A (NM_001384989.1); c.1306-4G>A (NM_001384992.1); c.1282-4G>A (NM_001384984.1); c.1288-4G>A (NM_001384985.1); c.1381-4G>A (NM_001384986.1, NM_001384990.1).
Identifiers: ClinVar variation 1086778 (VCV001086778.12), dbSNP rs373653543, ClinGen allele CA8575331.
Genomic context (GRCh38, chr17:42,325,065, plus strand): 5'-CCAGGCATTTGGCATCTGACAGATGTTGGAGATCACCACAACTGGCAAGGAGTGGGTCTG[C>T]GGAGGGAGTGGGGACTGAGCTGGGGAGGCAGAGGGGCTCTCACAGCCTTGGAAATCTCTT-3'

ClinVar aggregate classification (germline): Likely benign. Review status: criteria provided, multiple submitters, no conflicts (2 of 4 stars). 3 submissions from 3 submitters: Likely benign (2). 1 of the submissions does not count toward it. Last evaluated 2025-10-04.

Conditions:
STAT3-related disorder. Also called: STAT3-related condition.
Hyper-IgE recurrent infection syndrome 1, autosomal dominant. Also called: Job's Syndrome; JOB SYNDROME; HYPER-IgE SYNDROME 1, AUTOSOMAL DOMINANT, WITH RECURRENT INFECTIONS; Hyper-IgE recurrent infection syndrome 1; STAT3 Hyper IgE Syndrome. Identifiers: Orphanet 2314, MedGen C2936739, MONDO:0007818, OMIM 147060.
STAT3 gain of function. Identifiers: MedGen C4288261.

Allele frequency attached by ClinVar (database versions not stated): gnomAD exomes 0.00001 and 0.00003; ExAC 0.00002; ESP Exome Variant Server 0.00008.
gnomAD v4.1: 35 of 1,613,584 alleles (0.0022%); highest among the groups gnomAD compares: African/African-American, 0.024%; no homozygotes.

Submissions (3):

Labcorp Genetics (formerly Invitae), Labcorp
Classification: Likely benign for STAT3 gain of function; Hyper-IgE recurrent infection syndrome 1, autosomal dominant. Last evaluated: 2025-10-04. Review status: criteria provided, single submitter. Criteria: Invitae Variant Classification Sherloc (09022015). Collection method: clinical testing. Allele origin: germline.

Blueprint Genetics
Classification: Likely benign. Last evaluated: 2024-11-22. Review status: criteria provided, single submitter. Criteria: ACMG Guidelines, 2015. Collection method: clinical testing. Allele origin: germline.

PreventionGenetics, part of Exact Sciences
Classification: Likely benign for STAT3-related condition. Last evaluated: 2024-02-10. Review status: no assertion criteria provided. Collection method: clinical testing. Allele origin: germline. Not counted in ClinVar's aggregate classification.
Comment: This variant is classified as likely benign based on ACMG/AMP sequence variant interpretation guidelines (Richards et al. 2015 PMID: 25741868, with internal and published modifications).